The following is an entry in ClinVar:

ClinVar aggregate classification (germline): Uncertain significance (1 of 4 stars; one submission).

Conditions:
Bailey-Bloch congenital myopathy (CMYO13). Also called: Congenital myopathy 13; STAC3 disorder; Native American myopathy. Identifiers: Orphanet 168572, MedGen C1850625, MONDO:0009722, OMIM 255995.

gnomAD v4.1: 1 of 1,613,176 alleles (0.000062%); highest among the groups gnomAD compares: Non-Finnish European, 0.000085%; no homozygotes.

Submission:

Labcorp Genetics (formerly Invitae), Labcorp
Classification: Uncertain significance for Bailey-Bloch congenital myopathy. Last evaluated: 2021-10-28. Review status: criteria provided, single submitter. Criteria: Invitae Variant Classification Sherloc (09022015). Collection method: clinical testing. Allele origin: germline.
Comment: Algorithms developed to predict the effect of missense changes on protein structure and function are either unavailable or do not agree on the potential impact of this missense change (SIFT: "Tolerated"; PolyPhen-2: "Probably Damaging"; Align-GVGD: "Class C0"). This sequence change replaces lysine, which is basic and polar, with asparagine, which is neutral and polar, at codon 88 of the STAC3 protein (p.Lys88Asn). This variant is not present in population databases (gnomAD no frequency). This variant has not been reported in the literature in individuals affected with STAC3-related conditions. In summary, the available evidence is currently insufficient to determine the role of this variant in disease. Therefore, it has been classified as a Variant of Uncertain Significance.

NM_145064.3(STAC3):c.264G>T (p.Lys88Asn)

Gene: STAC3 (SH3 and cysteine rich domain 3; minus strand). Cytogenetic location: 12q13.3.
Variant type: single nucleotide variant.
Coding change: c.264G>T on transcript NM_145064.3 (MANE Select); coding-DNA position 264, G replaced by T.
Protein change: p.Lys88Asn; replaces lysine 88 with asparagine.
Molecular consequence: missense variant. On other transcripts: intron variant (1).
Genome position (GRCh38, 1-based): chr12:57,249,111, C>A on the plus strand (G>T on the coding strand, the complement: STAC3 is on the minus strand). VCF-style: chr12-57249111-C-A. GRCh37 (hg19) VCF-style: chr12-57642894-C-A.
Other names: c.147G>T, p.Lys49Asn (NM_001286256.2); c.-126-913G>T (NM_001286257.2); short protein forms K49N, K88N.
Identifiers: ClinVar variation 1448932 (VCV001448932.5), dbSNP rs200362421, ClinGen allele CA237760582.
Genomic context (GRCh38, chr12:57,249,111, plus strand): 5'-CCGGGCACAGACATCACAGAACTTTGGCTTCTTGAAGAAGTGATCTTTGAATTTGTGGGG[C>A]TTATCGTTGACCAGCTTAGGAGGTTCTGGGGGTGGCTCCTCCTCCTCCTCTTCTTCCTCT-3'
Protein context (NP_659501.1, residues 78-98): PPEPPKLVND[Lys88Asn]PHKFKDHFFK